The following is an entry in ClinVar:

ClinVar aggregate classification (germline): Uncertain significance (1 of 4 stars; one submission).

Allele frequency attached by ClinVar (database versions not stated): gnomAD exomes below 0.00001; TOPMed below 0.00001.
gnomAD v4.1: 4 of 1,614,170 alleles (0.00025%); highest among the groups gnomAD compares: Non-Finnish European, 0.00025%; no homozygotes.

Submission:

Labcorp Genetics (formerly Invitae), Labcorp
Classification: Uncertain significance. Last evaluated: 2023-08-10. Review status: criteria provided, single submitter. Criteria: Invitae Variant Classification Sherloc (09022015). Collection method: clinical testing. Allele origin: germline.
Comment: This variant is not present in population databases (gnomAD no frequency). This variant has not been reported in the literature in individuals affected with ARCN1-related conditions. ClinVar contains an entry for this variant (Variation ID: 2015704). An algorithm developed to predict the effect of missense changes on protein structure and function (PolyPhen-2) suggests that this variant is likely to be disruptive. In summary, the available evidence is currently insufficient to determine the role of this variant in disease. Therefore, it has been classified as a Variant of Uncertain Significance. This sequence change replaces threonine, which is neutral and polar, with methionine, which is neutral and non-polar, at codon 47 of the ARCN1 protein (p.Thr47Met).

NM_001655.5(ARCN1):c.140C>T (p.Thr47Met)

Gene: ARCN1 (archain 1 coat protein complex I subunit delta; plus strand). Cytogenetic location: 11q23.3.
Variant type: single nucleotide variant.
Coding change: c.140C>T on transcript NM_001655.5 (MANE Select); coding-DNA position 140, C replaced by T.
Protein change: p.Thr47Met; replaces threonine 47 with methionine.
Molecular consequence: missense variant. On other transcripts: intron variant (1).
Genome position (GRCh38, 1-based): chr11:118,581,382, C>T. VCF-style: chr11-118581382-C-T. GRCh37 (hg19) VCF-style: chr11-118452097-C-T.
Other names: c.4-1797C>T (NM_001142281.2); short protein forms T47M.
Identifiers: ClinVar variation 2015704 (VCV002015704.4), dbSNP rs1938645926, ClinGen allele CA382801287.